The following is an entry in ClinVar:

NM_000038.6(APC):c.3931A>T (p.Ile1311Phe)

Gene: APC (APC regulator of Wnt signaling pathway; plus strand). Cytogenetic location: 5q22.2.
Variant type: single nucleotide variant.
Coding change: c.3931A>T on transcript NM_000038.6 (MANE Select); coding-DNA position 3931, A replaced by T.
Protein change: p.Ile1311Phe; replaces isoleucine 1311 with phenylalanine.
Molecular consequence: missense variant. On other transcripts: non-coding transcript variant (2).
Genome position (GRCh38, 1-based): chr5:112,839,525, A>T. VCF-style: chr5-112839525-A-T. GRCh37 (hg19) VCF-style: chr5-112175222-A-T.
Other names: c.3544A>T, p.Ile1182Phe (NM_001407467.1, NM_001407469.1); c.3082A>T, p.Ile1028Phe (NM_001407470.1, NM_001354906.2); c.2779A>T, p.Ile927Phe (NM_001407471.1, NM_001407472.1); c.3931A>T, p.Ile1311Phe (NM_001127510.3, NM_001354895.2, NM_001407450.1); c.3877A>T, p.Ile1293Phe (NM_001127511.3); c.3985A>T, p.Ile1329Phe (NM_001354896.2, NM_001407447.1, NM_001407448.1 and 1 more transcripts); c.3961A>T, p.Ile1321Phe (NM_001354897.2); c.3856A>T, p.Ile1286Phe (NM_001354898.2); and 12 more; short protein forms I1028F, I1185F, I1270F, I1293F, I1321F, I1329F, I927F, I1151F.
Identifiers: ClinVar variation 2754592 (VCV002754592.4), dbSNP rs2533535449, ClinGen allele CA16029962.

ClinVar aggregate classification (germline): Uncertain significance. Review status: criteria provided, multiple submitters, no conflicts (2 of 4 stars). 2 submissions from 2 submitters: Uncertain significance (2). Last evaluated 2025-11-03.

Conditions:
Familial adenomatous polyposis 1 (FAP1). Also called: POLYPOSIS, ADENOMATOUS INTESTINAL; FAMILIAL ADENOMATOUS POLYPOSIS 1, ATTENUATED. Identifiers: MedGen C2713442, MONDO:0021056, OMIM 175100. Disease mechanism: loss of function.
Hereditary cancer-predisposing syndrome. Also called: Neoplastic Syndromes, Hereditary; Hereditary Cancer Syndrome; Tumor predisposition; Hereditary neoplastic syndrome. Identifiers: Orphanet 140162, MedGen C0027672, MeSH D009386, MONDO:0015356.

Allele frequency attached by ClinVar (database versions not stated): gnomAD exomes below 0.00001.
gnomAD v4.1: 1 of 1,614,228 alleles (0.000062%); highest among the groups gnomAD compares: Non-Finnish European, 0.000085%; no homozygotes.

Submissions (2):

Labcorp Genetics (formerly Invitae), Labcorp
Classification: Uncertain significance for Familial adenomatous polyposis 1. Last evaluated: 2025-11-03. Review status: criteria provided, single submitter. Criteria: Invitae Variant Classification Sherloc (09022015). Collection method: clinical testing. Allele origin: germline.
Comment: This sequence change replaces isoleucine, which is neutral and non-polar, with phenylalanine, which is neutral and non-polar, at codon 1311 of the APC protein (p.Ile1311Phe). This variant is not present in population databases (gnomAD no frequency). This variant has not been reported in the literature in individuals affected with APC-related conditions. ClinVar contains an entry for this variant (Variation ID: 2754592). Invitae Evidence Modeling of protein sequence and biophysical properties (such as structural, functional, and spatial information, amino acid conservation, physicochemical variation, residue mobility, and thermodynamic stability) indicates that this missense variant is not expected to disrupt APC protein function with a negative predictive value of 95%. In summary, the available evidence is currently insufficient to determine the role of this variant in disease. Therefore, it has been classified as a Variant of Uncertain Significance.

Ambry Genetics
Classification: Uncertain significance for Hereditary cancer-predisposing syndrome. Last evaluated: 2025-05-03. Review status: criteria provided, single submitter. Criteria: Ambry Variant Classification Scheme 2023. Collection method: clinical testing. Allele origin: germline.
Comment: The p.I1311F variant (also known as c.3931A>T), located in coding exon 15 of the APC gene, results from an A to T substitution at nucleotide position 3931. The isoleucine at codon 1311 is replaced by phenylalanine, an amino acid with highly similar properties. This amino acid position is conserved. In addition, in silico predictors for this gene do not accurately predict pathogenicity. Based on the available evidence, the clinical significance of this variant remains unclear.